The following is an entry in ClinVar:

NM_001148.6(ANK2):c.1095C>T (p.Tyr365=)

Gene: ANK2 (ankyrin 2; plus strand). Cytogenetic location: 4q26.
Variant type: single nucleotide variant.
Coding change: c.1095C>T on transcript NM_001148.6 (MANE Select); coding-DNA position 1095, C replaced by T.
Protein change: p.Tyr365=; no amino-acid change (tyrosine 365 retained).
Molecular consequence: synonymous variant.
Genome position (GRCh38, 1-based): chr4:113,255,839, C>T. VCF-style: chr4-113255839-C-T. GRCh37 (hg19) VCF-style: chr4-114176995-C-T.
Other names: c.1032C>T, p.Tyr344= (NM_001354243.2, NM_001354244.2, NM_001354252.2 and 14 more transcripts); c.1008C>T, p.Tyr336= (NM_001386162.1, NM_001354249.2, NM_001354260.2 and 16 more transcripts); c.1095C>T, p.Tyr365= (NM_001354245.2, NM_001354246.2, NM_020977.5 and 9 more transcripts); c.1146C>T, p.Tyr382= (NM_001386174.1); c.1122C>T, p.Tyr374= (NM_001386175.1); c.1083C>T, p.Tyr361= (NM_001386186.2, NM_001354269.3, NM_001386148.2); c.1059C>T, p.Tyr353= (NM_001386187.2); c.1140C>T, p.Tyr380= (NM_001354230.2, NM_001354231.2, NM_001354237.2 and 5 more transcripts); and 1 more.
Identifiers: ClinVar variation 382648 (VCV000382648.8), dbSNP rs1057521408, ClinGen allele CA16604659.
Genomic context (GRCh38, chr4:113,255,839, plus strand): 5'-GGAATGTGTGAAGCACCTGTTACAGCACAAGGCACCTGTTGATGATGTCACCCTAGACTA[C>T]CTGACAGCCCTCCACGTTGCTGCGCACTGTGGCCACTACCGTGTAACCAAACTCCTTTTA-3'
Protein context (NP_001139.3, residues 355-375): KAPVDDVTLD[Tyr365=]LTALHVAAHC

ClinVar aggregate classification (germline): Likely benign. Review status: criteria provided, multiple submitters, no conflicts (2 of 4 stars). 2 submissions from 2 submitters: Likely benign (2). Last evaluated 2022-03-09.

Conditions:
Long QT syndrome (LQTS). Identifiers: MedGen C0023976, MeSH D008133, MONDO:0002442. Disease mechanism: loss of function. Inheritance: Various modes of inheritance.

Submissions (2):

Labcorp Genetics (formerly Invitae), Labcorp
Classification: Likely benign for Long QT syndrome. Last evaluated: 2022-03-09. Review status: criteria provided, single submitter. Criteria: Invitae Variant Classification Sherloc (09022015). Collection method: clinical testing. Allele origin: germline.

GeneDx
Classification: Likely benign. Last evaluated: 2016-01-15. Review status: criteria provided, single submitter. Criteria: GeneDx Variant Classification (06012015). Collection method: clinical testing. Allele origin: germline. Affected: yes.
Comment: This variant is considered likely benign or benign based on one or more of the following criteria: it is a conservative change, it occurs at a poorly conserved position in the protein, it is predicted to be benign by multiple in silico algorithms, and/or has population frequency not consistent with disease.